The following is an entry in ClinVar:

NM_025243.4(SLC19A3):c.366C>T (p.Ala122=)

Gene: SLC19A3 (solute carrier family 19 member 3; minus strand). Cytogenetic location: 2q36.3.
Variant type: single nucleotide variant.
Coding change: c.366C>T on transcript NM_025243.4 (MANE Select); coding-DNA position 366, C replaced by T.
Protein change: p.Ala122=; no amino-acid change (alanine 122 retained).
Molecular consequence: synonymous variant.
Genome position (GRCh38, 1-based): chr2:227,699,349, G>A on the plus strand (C>T on the coding strand, the complement: SLC19A3 is on the minus strand). VCF-style: chr2-227699349-G-A. GRCh37 (hg19) VCF-style: chr2-228564065-G-A.
Other names: c.366C>T, p.Ala122= (NM_001371411.1, NM_001371412.1); c.354C>T, p.Ala118= (NM_001371413.1, NM_001371414.1).
Identifiers: ClinVar variation 1100652 (VCV001100652.22), dbSNP rs548635197, ClinGen allele CA2149318.

ClinVar aggregate classification (germline): Likely benign. Review status: criteria provided, multiple submitters, no conflicts (2 of 4 stars). 2 submissions from 2 submitters: Likely benign (2). Last evaluated 2025-12-30.

Conditions:
Biotin-responsive basal ganglia disease (BTBGD). Also called: Thiamine metabolism dysfunction syndrome 2 (biotin- or thiamine-responsive encephalopathy type 2); Thiamine Transporter-2 Deficiency; thiamine-responsive encephalopathy; THIAMINE METABOLISM DYSFUNCTION SYNDROME 2 (BIOTIN- AND THIAMINE-RESPONSIVE TYPE); Thiamine metabolism dysfunction syndrome type 2. Identifiers: Orphanet 199348, Orphanet 65284, MedGen C1843807, MONDO:0011841, OMIM 607483.

Allele frequency attached by ClinVar (database versions not stated): gnomAD exomes 0.00001 and 0.00004; ExAC 0.00002; gnomAD 0.00003; TOPMed 0.00005; 1000 Genomes Project 30x 0.00016; 1000 Genomes Project 0.00020.
gnomAD v4.1: 27 of 1,614,170 alleles (0.0017%); highest among the groups gnomAD compares: East Asian, 0.02%; no homozygotes.

Submissions (2):

Labcorp Genetics (formerly Invitae), Labcorp
Classification: Likely benign for Biotin-responsive basal ganglia disease. Last evaluated: 2025-12-30. Review status: criteria provided, single submitter. Criteria: Invitae Variant Classification Sherloc (09022015). Collection method: clinical testing. Allele origin: germline.

CeGaT Center for Human Genetics Tuebingen
Classification: Likely benign. Last evaluated: 2024-12-01. Review status: criteria provided, single submitter. Criteria: CeGaT Center For Human Genetics Tuebingen Variant Classification Criteria Version 2. Collection method: clinical testing. Allele origin: germline. Affected: yes. Observed: 1 variant allele.
Comment: SLC19A3: BP4, BP7